The following is an entry in ClinVar:

ClinVar aggregate classification (germline): Uncertain significance (1 of 4 stars; one submission).

Conditions:
Hereditary cancer-predisposing syndrome. Also called: Tumor predisposition; Neoplastic Syndromes, Hereditary; Hereditary neoplastic syndrome; Hereditary Cancer Syndrome. Identifiers: Orphanet 140162, MedGen C0027672, MeSH D009386, MONDO:0015356.

gnomAD v4.1: 2 of 1,610,570 alleles (0.00012%); highest among the groups gnomAD compares: South Asian, 0.0022%; no homozygotes.

Submission:

Ambry Genetics
Classification: Uncertain significance for Hereditary cancer-predisposing syndrome. Last evaluated: 2024-11-14. Review status: criteria provided, single submitter. Criteria: Ambry Variant Classification Scheme 2023. Collection method: clinical testing. Allele origin: germline.
Comment: The p.T586A variant (also known as c.1756A>G), located in coding exon 6 of the AXIN2 gene, results from an A to G substitution at nucleotide position 1756. The threonine at codon 586 is replaced by alanine, an amino acid with similar properties. This amino acid position is conserved. In addition, this alteration is predicted to be tolerated by in silico analysis. Based on the available evidence, the clinical significance of this variant remains unclear.

NM_004655.4(AXIN2):c.1756A>G (p.Thr586Ala)

Gene: AXIN2 (axin 2; minus strand). Cytogenetic location: 17q24.1.
Variant type: single nucleotide variant.
Coding change: c.1756A>G on transcript NM_004655.4 (MANE Select); coding-DNA position 1756, A replaced by G.
Protein change: p.Thr586Ala; replaces threonine 586 with alanine.
Molecular consequence: missense variant. On other transcripts: intron variant (1).
Genome position (GRCh38, 1-based): chr17:65,537,020, T>C on the plus strand (A>G on the coding strand, the complement: AXIN2 is on the minus strand). VCF-style: chr17-65537020-T-C. GRCh37 (hg19) VCF-style: chr17-63533138-T-C.
Other names: c.1712+304A>G (NM_001363813.1); short protein forms T586A.
Identifiers: ClinVar variation 3470861 (VCV003470861.1).